The following is an entry in ClinVar:

ClinVar aggregate classification (germline): Likely benign. Review status: criteria provided, multiple submitters, no conflicts (2 of 4 stars). 2 submissions from 2 submitters: Likely benign (2). Last evaluated 2023-01-01.

Submissions (2):

CeGaT Center for Human Genetics Tuebingen
Classification: Likely benign. Last evaluated: 2023-01-01. Review status: criteria provided, single submitter. Criteria: CeGaT Center For Human Genetics Tuebingen Variant Classification Criteria Version 2. Collection method: clinical testing. Allele origin: germline. Affected: yes. Observed: 1 variant allele.
Comment: TUFM: BS1

GeneDx
Classification: Likely benign. Last evaluated: 2019-06-05. Review status: criteria provided, single submitter. Criteria: GeneDx Variant Classification Process June 2021. Collection method: clinical testing. Allele origin: germline. Affected: yes.

NM_003321.5(TUFM):c.-57TCT[2]

Genes: TUFM (Tu translation elongation factor, mitochondrial; minus strand), LOC130058735 (ATAC-STARR-seq lymphoblastoid active region 10645; plus strand). Cytogenetic location: 16p11.2.
Variant type: Microsatellite.
Coding change: c.-57TCT[2] on transcript NM_003321.5 (MANE Select); two copies in a row of the 3-base unit TCT starting at c.-57; the reference has three copies in a row; one copy, 3 bases deleted.
Molecular consequence: 5 prime UTR variant.
Genome position (GRCh38, 1-based): chr16:28,846,318-28,846,320, AGA deleted on the plus strand (TCT on the coding strand, the reverse complement: TUFM is on the minus strand); deleting any 3 consecutive bases within chr16:28,846,318-28,846,328 gives the same sequence; the position shown is the placement nearest the transcript's 3' end. VCF-style (leftmost placement, unchanged base first): chr16-28846317-CAGA-C. GRCh37 (hg19) VCF-style: chr16-28857638-CAGA-C.
Other names: c.-57TCT[2] (NM_001365360.2).
Identifiers: ClinVar variation 318759 (VCV000318759.31), dbSNP rs147419027, ClinGen allele CA7985801.